The following is an entry in ClinVar:

ClinVar aggregate classification (germline): Likely benign. Review status: criteria provided, multiple submitters, no conflicts (2 of 4 stars). 3 submissions from 3 submitters: Likely benign (3). Last evaluated 2025-02-20.

Conditions:
Inborn genetic diseases. Identifiers: MedGen C0950123, MeSH D030342.
Autosomal dominant childhood-onset proximal spinal muscular atrophy with contractures (SMALED2A). Also called: SPINAL MUSCULAR ATROPHY, LOWER EXTREMITY-PREDOMINANT, 2A, CHILDHOOD ONSET, AUTOSOMAL DOMINANT; Spinal muscular atrophy, lower extremity-predominant, 2A, autosomal dominant. Identifiers: Orphanet 363447, Orphanet 363454, MedGen C4747715, MONDO:0014121, OMIM 615290.

Allele frequency attached by ClinVar (database versions not stated): ExAC 0.00001; gnomAD 0.00001; TOPMed 0.00002; gnomAD exomes 0.00003 and 0.00006.

Submissions (3):

Ambry Genetics
Classification: Likely benign for Inborn genetic diseases. Last evaluated: 2025-02-20. Review status: criteria provided, single submitter. Criteria: Ambry Variant Classification Scheme 2023. Collection method: clinical testing. Allele origin: germline.

Labcorp Genetics (formerly Invitae), Labcorp
Classification: Likely benign for Autosomal dominant childhood-onset proximal spinal muscular atrophy with contractures. Last evaluated: 2022-08-23. Review status: criteria provided, single submitter. Criteria: Invitae Variant Classification Sherloc (09022015). Collection method: clinical testing. Allele origin: germline.

GeneDx
Classification: Likely benign. Last evaluated: 2017-11-15. Review status: criteria provided, single submitter. Criteria: GeneDx Variant Classification (06012015). Collection method: clinical testing. Allele origin: germline. Affected: yes.
Comment: This variant is considered likely benign or benign based on one or more of the following criteria: it is a conservative change, it occurs at a poorly conserved position in the protein, it is predicted to be benign by multiple in silico algorithms, and/or has population frequency not consistent with disease.

NM_001003800.2(BICD2):c.440A>G (p.Gln147Arg)

Gene: BICD2 (BICD cargo adaptor 2; minus strand). Cytogenetic location: 9q22.31.
Variant type: single nucleotide variant.
Coding change: c.440A>G on transcript NM_001003800.2 (MANE Select); coding-DNA position 440, A replaced by G.
Protein change: p.Gln147Arg; replaces glutamine 147 with arginine.
Molecular consequence: missense variant.
Genome position (GRCh38, 1-based): chr9:92,729,037, T>C on the plus strand (A>G on the coding strand, the complement: BICD2 is on the minus strand). VCF-style: chr9-92729037-T-C. GRCh37 (hg19) VCF-style: chr9-95491319-T-C.
Other names: c.440A>G, p.Gln147Arg (NM_015250.4); short protein forms Q147R.
Identifiers: ClinVar variation 513266 (VCV000513266.12), dbSNP rs764759240, ClinGen allele CA5126822.